The following is an entry in ClinVar:

NM_001378454.1(ALMS1):c.8117A>G (p.Glu2706Gly)

Gene: ALMS1 (ALMS1 centrosome and basal body associated protein; plus strand). Cytogenetic location: 2p13.1.
Variant type: single nucleotide variant.
Coding change: c.8117A>G on transcript NM_001378454.1 (MANE Select); coding-DNA position 8117, A replaced by G.
Protein change: p.Glu2706Gly; replaces glutamic acid 2706 with glycine.
Molecular consequence: missense variant.
Genome position (GRCh38, 1-based): chr2:73,490,076, A>G. VCF-style: chr2-73490076-A-G. GRCh37 (hg19) VCF-style: chr2-73717203-A-G.
Other names: c.8120A>G, p.Glu2707Gly (NM_015120.4); short protein forms E2706G, E2707G.
Identifiers: ClinVar variation 916714 (VCV000916714.6), dbSNP rs768090632, ClinGen allele CA1714406.

ClinVar aggregate classification (germline): Conflicting classifications of pathogenicity. Review status: criteria provided, conflicting classifications (1 of 4 stars). 3 submissions from 3 submitters: Uncertain significance (1); Uncertain risk allele (1); Likely benign (1). Last evaluated 2025-09-13.

Conditions:
Monogenic diabetes. Identifiers: Orphanet 183625, MedGen C3888631, MONDO:0015967.
Alstrom syndrome (ALMS). Identifiers: Orphanet 64, MedGen C0268425, MONDO:0008763, OMIM 203800.

Allele frequency attached by ClinVar (database versions not stated): gnomAD exomes below 0.00001 and 0.00002; ExAC 0.00001; gnomAD 0.00001; TOPMed 0.00001.
gnomAD v4.1: 7 of 1,614,068 alleles (0.00043%); highest among the groups gnomAD compares: East Asian, 0.013%; no homozygotes.

Submissions (3):

Labcorp Genetics (formerly Invitae), Labcorp
Classification: Uncertain significance for Alstrom syndrome. Last evaluated: 2025-09-13. Review status: criteria provided, single submitter. Criteria: Invitae Variant Classification Sherloc (09022015). Collection method: clinical testing. Allele origin: germline.
Comment: This sequence change replaces glutamic acid, which is acidic and polar, with glycine, which is neutral and non-polar, at codon 2707 of the ALMS1 protein (p.Glu2707Gly). This variant is present in population databases (rs768090632, gnomAD 0.03%). This variant has not been reported in the literature in individuals affected with ALMS1-related conditions. ClinVar contains an entry for this variant (Variation ID: 916714). Experimental studies and prediction algorithms are not available or were not evaluated, and the functional significance of this variant is currently unknown. In summary, the available evidence is currently insufficient to determine the role of this variant in disease. Therefore, it has been classified as a Variant of Uncertain Significance.

Personalized Diabetes Medicine Program, University of Maryland School of Medicine
Classification: Likely benign for Monogenic diabetes. Last evaluated: 2017-04-07. Review status: criteria provided, single submitter. Criteria: ACMG Guidelines, 2015. Collection method: research. Allele origin: unknown. Observed: 1 variant allele, 1 heterozygote.
Comment: ACMG criteria: PP3 (5 predictors), BP4 (4 predictors), BP1(missense when truncating causes disease), BP5(alternate cause identified) =likely benign

Clinical Genomics, Uppaluri K&H Personalized Medicine Clinic
Classification: Uncertain risk allele for Alstrom syndrome. Review status: criteria provided, single submitter. Criteria: K & H Uppaluri Personalized Medicine Clinic Variant Classification & Assertion Criteria_Updated V.1. Collection method: research. Allele origin: unknown. Inheritance: Autosomal recessive inheritance.
Comment: Potent mutations in ALMS1 are associated with a rare condition called Alstrom syndrome. It can cause excessive eating, insulin resistance. However, no evidence is found to ascertain the role of rs768090632 in Alstrom syndrome yet.

Literature cited by the submitters: PubMed 34148947 (cited by Clinical Genomics, Uppaluri K&H Personalized Medicine Clinic); PubMed 25846608 (cited by Clinical Genomics, Uppaluri K&H Personalized Medicine Clinic); PubMed 30421101 (cited by Clinical Genomics, Uppaluri K&H Personalized Medicine Clinic); PubMed 33669459 (cited by Clinical Genomics, Uppaluri K&H Personalized Medicine Clinic).